The following is an entry in ClinVar:

NM_001201550.3(CFHR4):c.998G>A (p.Arg333Lys)

Gene: CFHR4 (complement factor H related 4; plus strand). Cytogenetic location: 1q31.3.
Variant type: single nucleotide variant.
Coding change: c.998G>A on transcript NM_001201550.3 (MANE Select); coding-DNA position 998, G replaced by A.
Protein change: p.Arg333Lys; replaces arginine 333 with lysine.
Molecular consequence: missense variant.
Genome position (GRCh38, 1-based): chr1:196,912,740, G>A. VCF-style: chr1-196912740-G-A. GRCh37 (hg19) VCF-style: chr1-196881870-G-A.
Other names: c.995G>A, p.Arg332Lys (NM_001201551.2); c.257G>A, p.Arg86Lys (NM_006684.5); short protein forms R86K, R332K, R333K.
Identifiers: ClinVar variation 3143821 (VCV003143821.2), dbSNP rs756748081, ClinGen allele CA1307010.

ClinVar aggregate classification (germline): Conflicting classifications of pathogenicity. Review status: criteria provided, conflicting classifications (1 of 4 stars). 2 submissions from 2 submitters: Uncertain significance (1); Likely benign (1). Last evaluated 2026-02-06.

Allele frequency attached by ClinVar (database versions not stated): gnomAD exomes 0.00002; gnomAD 0.00003; TOPMed 0.00004; ExAC 0.00005.
gnomAD v4.1: 28 of 1,582,060 alleles (0.0018%); highest among the groups gnomAD compares: Non-Finnish European, 0.0024%; no homozygotes.

Submissions (2):

Women's Health and Genetics/Laboratory Corporation of America, LabCorp
Classification: Uncertain significance. Last evaluated: 2026-02-06. Review status: criteria provided, single submitter. Criteria: LabCorp Variant Classification Summary - May 2015. Collection method: clinical testing. Allele origin: germline.
Comment: Variant summary: CFHR4 c.998G>A (p.Arg333Lys) results in a conservative amino acid change in the encoded protein sequence. Algorithms developed to predict the effect of missense changes on protein structure and function all suggest that this variant is likely to be tolerated. Consensus agreement among computation tools predict no significant impact on normal splicing. However, these predictions have yet to be confirmed by functional studies. The variant allele was found at a frequency of 2.1e-05 in 232972 control chromosomes. The available data on variant occurrences in the general population are insufficient to allow any conclusion about variant significance. To our knowledge, no occurrence of c.998G>A in individuals affected with CFHR4-related conditions and no experimental evidence demonstrating its impact on protein function have been reported. ClinVar contains an entry for this variant (Variation ID: 3143821). Based on the evidence outlined above, the variant was classified as uncertain significance.

Ambry Genetics
Classification: Likely benign. Last evaluated: 2024-01-03. Review status: criteria provided, single submitter. Criteria: Ambry Variant Classification Scheme 2023. Collection method: clinical testing. Allele origin: germline.